The following is an entry in ClinVar:

ClinVar aggregate classification (germline): Uncertain significance. Review status: criteria provided, multiple submitters, no conflicts (2 of 4 stars). 2 submissions from 2 submitters: Uncertain significance (2). Last evaluated 2024-05-31.

Conditions:
Ataxia-telangiectasia-like disorder (ATLD). Identifiers: MedGen C1858391, MONDO:0011457.
Hereditary cancer-predisposing syndrome. Also called: Hereditary Cancer Syndrome; Neoplastic Syndromes, Hereditary; Tumor predisposition; Hereditary neoplastic syndrome. Identifiers: Orphanet 140162, MedGen C0027672, MeSH D009386, MONDO:0015356.

Submissions (2):

Ambry Genetics
Classification: Uncertain significance for Hereditary cancer-predisposing syndrome. Last evaluated: 2024-05-31. Review status: criteria provided, single submitter. Criteria: Ambry Variant Classification Scheme 2023. Collection method: clinical testing. Allele origin: germline.
Comment: The p.N295S variant (also known as c.884A>G), located in coding exon 8 of the MRE11A gene, results from an A to G substitution at nucleotide position 884. The asparagine at codon 295 is replaced by serine, an amino acid with highly similar properties. This amino acid position is conserved. In addition, this alteration is predicted to be tolerated by in silico analysis. Based on the available evidence, the clinical significance of this variant remains unclear.

Labcorp Genetics (formerly Invitae), Labcorp
Classification: Uncertain significance for Ataxia-telangiectasia-like disorder. Last evaluated: 2022-08-10. Review status: criteria provided, single submitter. Criteria: Invitae Variant Classification Sherloc (09022015). Collection method: clinical testing. Allele origin: germline.
Comment: In summary, the available evidence is currently insufficient to determine the role of this variant in disease. Therefore, it has been classified as a Variant of Uncertain Significance. Algorithms developed to predict the effect of sequence changes on RNA splicing suggest that this variant may create or strengthen a splice site. Algorithms developed to predict the effect of missense changes on protein structure and function (SIFT, PolyPhen-2, Align-GVGD) all suggest that this variant is likely to be tolerated. ClinVar contains an entry for this variant (Variation ID: 1022200). This variant has not been reported in the literature in individuals affected with MRE11-related conditions. This variant is not present in population databases (gnomAD no frequency). This sequence change replaces asparagine, which is neutral and polar, with serine, which is neutral and polar, at codon 295 of the MRE11 protein (p.Asn295Ser).

NM_005591.4(MRE11):c.884A>G (p.Asn295Ser)

Gene: MRE11 (MRE11 double strand break repair nuclease; minus strand). Cytogenetic location: 11q21.
Variant type: single nucleotide variant.
Coding change: c.884A>G on transcript NM_005591.4 (MANE Select); coding-DNA position 884, A replaced by G.
Protein change: p.Asn295Ser; replaces asparagine 295 with serine.
Molecular consequence: missense variant.
Genome position (GRCh38, 1-based): chr11:94,470,604, T>C on the plus strand (A>G on the coding strand, the complement: MRE11 is on the minus strand). VCF-style: chr11-94470604-T-C. GRCh37 (hg19) VCF-style: chr11-94203770-T-C.
Other names: c.884A>G, p.Asn295Ser (NM_001330347.2, NM_005590.4); c.884A>G (NM_005591.3); short protein forms N295S.
Identifiers: ClinVar variation 1022200 (VCV001022200.9), dbSNP rs1946681154, ClinGen allele CA382374653.